The following is an entry in ClinVar:

ClinVar aggregate classification (germline): Uncertain significance (1 of 4 stars; one submission).

Conditions:
Facioscapulohumeral muscular dystrophy 2 (FSHD2). Also called: MUSCULAR DYSTROPHY, FACIOSCAPULOHUMERAL, TYPE 1B; FACIOSCAPULOHUMERAL MUSCULAR DYSTROPHY 2, DIGENIC; FSHD2, DIGENIC. Identifiers: Orphanet 269, MedGen C1834671, MONDO:0008031, OMIM 158901.

Submission:

Labcorp Genetics (formerly Invitae), Labcorp
Classification: Uncertain significance for Facioscapulohumeral muscular dystrophy 2. Last evaluated: 2024-07-02. Review status: criteria provided, single submitter. Criteria: Invitae Variant Classification Sherloc (09022015). Collection method: clinical testing. Allele origin: germline.
Comment: This sequence change replaces glutamine, which is neutral and polar, with lysine, which is basic and polar, at codon 856 of the SMCHD1 protein (p.Gln856Lys). This variant is not present in population databases (gnomAD no frequency). This variant has not been reported in the literature in individuals affected with SMCHD1-related conditions. Advanced modeling of protein sequence and biophysical properties (such as structural, functional, and spatial information, amino acid conservation, physicochemical variation, residue mobility, and thermodynamic stability) performed at Invitae indicates that this missense variant is not expected to disrupt SMCHD1 protein function with a negative predictive value of 80%. In summary, the available evidence is currently insufficient to determine the role of this variant in disease. Therefore, it has been classified as a Variant of Uncertain Significance.

NM_015295.3(SMCHD1):c.2566C>A (p.Gln856Lys)

Gene: SMCHD1 (structural maintenance of chromosomes flexible hinge domain containing 1; plus strand). Cytogenetic location: 18p11.32.
Variant type: single nucleotide variant.
Coding change: c.2566C>A on transcript NM_015295.3 (MANE Select); coding-DNA position 2566, C replaced by A.
Protein change: p.Gln856Lys; replaces glutamine 856 with lysine.
Molecular consequence: missense variant.
Genome position (GRCh38, 1-based): chr18:2,722,626, C>A. VCF-style: chr18-2722626-C-A. GRCh37 (hg19) VCF-style: chr18-2722624-C-A.
Other names: short protein forms Q856K.
Identifiers: ClinVar variation 3658502 (VCV003658502.2).